The following is an entry in ClinVar:

NM_001080779.2(MYO1C):c.2649C>A (p.Gly883=)

Gene: MYO1C (myosin IC; minus strand). Cytogenetic location: 17p13.3.
Variant type: single nucleotide variant.
Coding change: c.2649C>A on transcript NM_001080779.2 (MANE Select); coding-DNA position 2649, C replaced by A.
Protein change: p.Gly883=; no amino-acid change (glycine 883 retained).
Molecular consequence: synonymous variant.
Genome position (GRCh38, 1-based): chr17:1,468,458, G>T on the plus strand (C>A on the coding strand, the complement: MYO1C is on the minus strand). VCF-style: chr17-1468458-G-T. GRCh37 (hg19) VCF-style: chr17-1371752-G-T.
Other names: c.2592C>A, p.Gly864= (NM_001080950.2); c.2577C>A, p.Gly859= (NM_001363855.1); c.2544C>A, p.Gly848= (NM_033375.5).
Identifiers: ClinVar variation 508616 (VCV000508616.2), dbSNP rs8065685, ClinGen allele CA8266895.

ClinVar aggregate classification (germline): Benign. Review status: criteria provided, multiple submitters, no conflicts (2 of 4 stars). 2 submissions from 2 submitters: Benign (2). Last evaluated 2017-10-05.

Allele frequency attached by ClinVar (database versions not stated): gnomAD exomes 0.00511 and 0.01280; ExAC 0.01535; gnomAD 0.04915 and 0.05310; ESP Exome Variant Server 0.05398; 1000 Genomes Project 0.05431; TOPMed 0.05671; 1000 Genomes Project 30x 0.05871.
gnomAD v4.1: 15,344 of 1,613,822 alleles (0.95%); highest among the groups gnomAD compares: African/African-American, 17%; 1,139 homozygotes.

Submissions (2):

GeneDx
Classification: Benign. Last evaluated: 2017-10-05. Review status: criteria provided, single submitter. Criteria: GeneDx Variant Classification (06012015). Collection method: clinical testing. Allele origin: germline. Affected: yes.
Comment: This variant is considered likely benign or benign based on one or more of the following criteria: it is a conservative change, it occurs at a poorly conserved position in the protein, it is predicted to be benign by multiple in silico algorithms, and/or has population frequency not consistent with disease.

Breakthrough Genomics
Classification: Benign. Review status: criteria provided, single submitter. Criteria: ACMG Guidelines, 2015. Collection method: not provided. Allele origin: germline. Inheritance: Unknown mechanism. Affected: yes.